The following is an entry in ClinVar:

ClinVar aggregate classification (germline): Conflicting classifications of pathogenicity. Review status: criteria provided, conflicting classifications (1 of 4 stars). 15 submissions from 15 submitters: Pathogenic (8); Likely pathogenic (5); Uncertain significance (1). 1 of the submissions does not count toward it. Last evaluated 2026-08-01.

Conditions:
Carnitine deficiency. Identifiers: MedGen C1142132.
SLC22A5-related disorder. Also called: SLC22A5-related condition.
Renal carnitine transport defect (CDSP). Also called: CARNITINE DEFICIENCY, SYSTEMIC, DUE TO DEFECT IN RENAL REABSORPTION OF CARNITINE; CARNITINE TRANSPORTER, PLASMA-MEMBRANE, DEFICIENCY OF; CARNITINE UPTAKE DEFECT; Primary carnitine deficiency; Carnitine transporter deficiency; Systemic primary carnitine deficiency disease. Identifiers: Orphanet 158, MedGen C0342788, MONDO:0008919, OMIM 212140.

Allele frequency attached by ClinVar (database versions not stated): TOPMed 0.00009; gnomAD 0.00003; ESP Exome Variant Server 0.00038.
gnomAD v4.1: 402 of 1,614,090 alleles (0.025%); highest among the groups gnomAD compares: Non-Finnish European, 0.032%; no homozygotes.

Submissions (15):

CeGaT Center for Human Genetics Tuebingen
Classification: Likely pathogenic. Last evaluated: 2026-08-01. Review status: criteria provided, single submitter. Criteria: CeGaT Center For Human Genetics Tuebingen Variant Classification Criteria Version 2. Collection method: clinical testing. Allele origin: germline. Affected: yes. Observed: 2 variant alleles.
Comment: SLC22A5: PM3:Very Strong, PM2:Supporting, BP4

Labcorp Genetics (formerly Invitae), Labcorp
Classification: Pathogenic for Renal carnitine transport defect. Last evaluated: 2026-02-02. Review status: criteria provided, single submitter. Criteria: Invitae Variant Classification Sherloc (09022015). Collection method: clinical testing. Allele origin: germline.
Comment: This sequence change replaces alanine, which is neutral and non-polar, with serine, which is neutral and polar, at codon 142 of the SLC22A5 protein (p.Ala142Ser). This variant is present in population databases (rs151231558, gnomAD 0.009%). This missense change has been observed in individual(s) with carnitine deficiency (PMID: 20574985, 21922592). In at least one individual the data is consistent with being in trans (on the opposite chromosome) from a pathogenic variant. ClinVar contains an entry for this variant (Variation ID: 25372). Invitae Evidence Modeling of protein sequence and biophysical properties (such as structural, functional, and spatial information, amino acid conservation, physicochemical variation, residue mobility, and thermodynamic stability) has been performed for this missense variant. However, the output from this modeling did not meet the statistical confidence thresholds required to predict the impact of this variant on SLC22A5 protein function. Experimental studies have shown that this missense change does not substantially affect SLC22A5 function (PMID: 2216472, 16652335, 21922592). For these reasons, this variant has been classified as Pathogenic.

Natera, Inc.
Classification: Pathogenic for Carnitine deficiency. Last evaluated: 2026-01-08. Review status: criteria provided, single submitter. Criteria: Natera Variant Classification Schema (03/2026). Collection method: clinical testing. Allele origin: germline.
Comment: The c.424G>T variant in SLC22A5 is a missense variant predicted to cause substitution of alanine to serine at amino acid 142. This variant is rare in the general population with a frequency below the threshold expected for the associated phenotype(s). This variant has been observed in one or more individuals affected with the associated recessive disease, as either homozygous or compound heterozygous with a second variant (PMID: 20574985). Given the available evidence, this variant is classified as Pathogenic.

Greenwood Genetic Center Diagnostic Laboratories, Greenwood Genetic Center
Classification: Likely pathogenic for Renal carnitine transport defect. Last evaluated: 2025-01-24. Review status: criteria provided, single submitter. Criteria: ACMG Guidelines, 2015. Collection method: clinical testing. Allele origin: germline. Affected: yes.
Comment: PS3_Moderate, PM2, PM3_Very Strong

Blueprint Genetics
Classification: Pathogenic for SLC22A5-related disorders. Last evaluated: 2024-08-29. Review status: criteria provided, single submitter. Criteria: ACMG Guidelines, 2015. Collection method: clinical testing. Allele origin: germline. Affected: yes. Observed: 5 variant alleles.

Mayo Clinic Laboratories, Mayo Clinic
Classification: Uncertain significance. Last evaluated: 2024-03-28. Review status: criteria provided, single submitter. Criteria: ACMG Guidelines, 2015. Collection method: clinical testing. Allele origin: germline. Observed: 1 variant allele.
Comment: PM2, PM3_very_strong, PS3

Fulgent Genetics
Classification: Likely pathogenic for Renal carnitine transport defect. Last evaluated: 2024-03-14. Review status: criteria provided, single submitter. Criteria: ACMG Guidelines, 2015. Collection method: clinical testing. Allele origin: germline.

Department of Pathology and Laboratory Medicine, Sinai Health System
Classification: Pathogenic for Renal carnitine transport defect. Last evaluated: 2021-11-29. Review status: criteria provided, single submitter. Criteria: ACMG Guidelines, 2015. Collection method: research. Allele origin: germline.

Genome-Nilou Lab
Classification: Likely pathogenic for Renal carnitine transport defect. Last evaluated: 2021-07-15. Review status: criteria provided, single submitter. Criteria: ACMG Guidelines, 2015. Collection method: clinical testing. Allele origin: germline. Affected: no.

Women's Health and Genetics/Laboratory Corporation of America, LabCorp
Classification: Pathogenic for Renal carnitine transport defect. Last evaluated: 2021-05-24. Review status: criteria provided, single submitter. Criteria: LabCorp Variant Classification Summary - May 2015. Collection method: clinical testing. Allele origin: germline.
Comment: Variant summary: SLC22A5 c.424G>T (p.Ala142Ser) results in a conservative amino acid change located in the Major facilitator superfamily domain of the encoded protein sequence. Five of five in-silico tools predict a benign effect of the variant on protein function. The variant allele was found at a frequency of 5.6e-05 in 251494 control chromosomes. This frequency is not significantly higher than expected for a pathogenic variant in SLC22A5 causing Systemic Primary Carnitine Deficiency (5.6e-05 vs 0.0046), allowing no conclusion about variant significance. c.424G>T has been reported in the literature in multiple individuals affected with Systemic Primary Carnitine Deficiency, in most cases with p.R488H in cis, along with a second pathogenic variant on the second allele (Amat di San Filippo_2006, Frigeni_2017, Gallant_2017, Mazzini_2011, Thompson_2018). Two publications, one of which is a large study of 143 patients evaluated for Systemic Primary Carnitine Deficiency, reports this variant (p.A142S) in isolation along with a second pathogenic allele in trans (Li_2010, El-Hattab_2010). A functional study showed that the carnitine transport was markedly impaired when both mutations were combined within the same cDNA, however, none of the two missense mutations impaired carnitine transport when expressed alone in CHO cells (Amat di San Filippo_2006). Five ClinVar submitters (evaluation after 2014) cite the variant as pathogenic (n=3) and likely pathogenic (n=2). Based on this evidence, the variant is classified as pathogenic both in isolation as well as when observed as a complex allele in cis with p.R488H.

ARUP Laboratories, Molecular Genetics and Genomics, ARUP Laboratories
Classification: Pathogenic. Last evaluated: 2018-01-31. Review status: criteria provided, single submitter. Criteria: ARUP Molecular Germline Variant Investigation Process. Collection method: clinical testing. Allele origin: germline.

Laboratory for Molecular Medicine, Mass General Brigham Personalized Medicine
Classification: Likely pathogenic for Renal carnitine transport defect. Last evaluated: 2017-08-07. Review status: criteria provided, single submitter. Criteria: LMM Criteria. Collection method: clinical testing. Allele origin: germline. Inheritance: Autosomal recessive inheritance. Observed: 2 variant alleles.
Comment: The p.Ala142Ser (NM_003060.3 c.424G>T) variant in SLC22A5 (previously referred t o as OCTN2) has been reported in at least 1 homozygous and 9 compound heterozygo us individuals with primary carnitine deficiency or asymptomatic mothers of pati ents identified in NBS (Amat di San Filippo 2006, Li 2010, Mazzini 2011, Rose 2 012).This variant has been identified in 0.009% (12/126,728) of European chromos omes by the Genome Aggregation Database (gnomAD, g; dbSNP rs151231558). Although this variant has been seen in the general popula tion, its frequency is low enough to be consistent with a recessive carrier freq uency. In summary, although additional studies are required to fully establish i ts clinical significance, the p.Ala142Thr variant is likely pathogenic for prima ry carnitine deficiency in an autosomal recessive manner based upon its occurren ce in individuals with this disease.

Eurofins Ntd Llc (ga)
Classification: Pathogenic. Last evaluated: 2015-12-30. Review status: criteria provided, single submitter. Criteria: EGL Classification Definitions 2015. Collection method: clinical testing. Allele origin: germline. Observed: 17 variant alleles, 17 heterozygotes.

HudsonAlpha Institute for Biotechnology
Classification: Pathogenic for Renal carnitine transport defect. Last evaluated: 2013-10-21. Review status: criteria provided, single submitter. Criteria: HA_assertions_20150911. Collection method: research. Allele origin: unknown, maternal. Affected: yes. Observed: 2 variant alleles. Study: CSER-HudsonAlpha.

Counsyl
Classification: Likely pathogenic for Renal carnitine transport defect. Last evaluated: 2017-06-12. Review status: no assertion criteria provided. Collection method: clinical testing. Allele origin: unknown. Not counted in ClinVar's aggregate classification.

Literature cited by the submitters: PubMed 20574985 (cited by 6 submitters); PubMed 21922592 (cited by 4 submitters); PubMed 2216472 (cited by Labcorp Genetics (formerly Invitae), Labcorp); PubMed 16652335 (cited by 6 submitters); PubMed 20027113 (cited by Mayo Clinic Laboratories, Mayo Clinic and Women's Health and Genetics/Laboratory Corporation of America, LabCorp); PubMed 28711408 (cited by Mayo Clinic Laboratories, Mayo Clinic and Women's Health and Genetics/Laboratory Corporation of America, LabCorp); PubMed 28841266 (cited by Mayo Clinic Laboratories, Mayo Clinic and Women's Health and Genetics/Laboratory Corporation of America, LabCorp); PubMed 29790872 (cited by Mayo Clinic Laboratories, Mayo Clinic and Women's Health and Genetics/Laboratory Corporation of America, LabCorp); PubMed 30609409 (cited by Mayo Clinic Laboratories, Mayo Clinic and Women's Health and Genetics/Laboratory Corporation of America, LabCorp); PubMed 32778825 (cited by Mayo Clinic Laboratories, Mayo Clinic); PubMed 22116472 (cited by 3 submitters); PubMed 23798014 (cited by Counsyl).

NM_003060.4(SLC22A5):c.424G>T (p.Ala142Ser)

Gene: SLC22A5 (solute carrier family 22 member 5; plus strand). Cytogenetic location: 5q31.1.
Variant type: single nucleotide variant.
Coding change: c.424G>T on transcript NM_003060.4 (MANE Select); coding-DNA position 424, G replaced by T.
Protein change: p.Ala142Ser; replaces alanine 142 with serine.
Molecular consequence: missense variant.
Genome position (GRCh38, 1-based): chr5:132,378,408, G>T. VCF-style: chr5-132378408-G-T. GRCh37 (hg19) VCF-style: chr5-131714100-G-T.
Other names: c.496G>T, p.Ala166Ser (NM_001308122.2); short protein forms A166S.
Identifiers: ClinVar variation 25372 (VCV000025372.49), dbSNP rs151231558, ClinGen allele CA342631.